The following is an entry in ClinVar:

NM_001267550.2(TTN):c.93034A>T (p.Lys31012Ter)

Genes: TTN-AS1 (TTN antisense RNA 1; plus strand), TTN (titin; minus strand). Cytogenetic location: 2q31.2.
Variant type: single nucleotide variant.
Coding change: c.93034A>T on transcript NM_001267550.2 (MANE Select); coding-DNA position 93034, A replaced by T.
Protein change: p.Lys31012Ter; replaces lysine 31012 with a stop codon.
Molecular consequence: nonsense.
Genome position (GRCh38, 1-based): chr2:178,548,592, T>A on the plus strand (A>T on the coding strand, the complement: TTN is on the minus strand). VCF-style: chr2-178548592-T-A. GRCh37 (hg19) VCF-style: chr2-179413319-T-A.
Other names: c.88111A>T, p.Lys29371Ter (NM_001256850.1); c.65839A>T, p.Lys21947Ter (NM_003319.4); c.85330A>T, p.Lys28444Ter (NM_133378.4); c.66214A>T, p.Lys22072Ter (NM_133432.3); c.66415A>T, p.Lys22139Ter (NM_133437.4); short protein forms K29371*, K22072*, K28444*, K31012*, K21947*, K22139*.
Identifiers: ClinVar variation 1464758 (VCV001464758.9), dbSNP rs2154147529, ClinGen allele CA349488395.

ClinVar aggregate classification (germline): Pathogenic/Likely pathogenic. Review status: criteria provided, multiple submitters, no conflicts (2 of 4 stars). 2 submissions from 2 submitters: Pathogenic (1); Likely pathogenic (1). Last evaluated 2025-05-14.

Conditions:
Cardiovascular phenotype. Identifiers: MedGen CN230736.
Dilated cardiomyopathy 1G (CMD1G). Identifiers: Orphanet 154, MedGen C1858763, MONDO:0011400, OMIM 604145.
Autosomal recessive limb-girdle muscular dystrophy type 2J (LGMDR10). Also called: Limb-girdle muscular dystrophy, type 2J; MUSCULAR DYSTROPHY, LIMB-GIRDLE, AUTOSOMAL RECESSIVE 10. Identifiers: Orphanet 140922, MedGen C1837342, MONDO:0012127, OMIM 608807.

Submissions (2):

Ambry Genetics
Classification: Pathogenic for Cardiovascular phenotype. Last evaluated: 2025-05-14. Review status: criteria provided, single submitter. Criteria: Ambry Variant Classification Scheme 2023. Collection method: clinical testing. Allele origin: germline.
Comment: The p.K21947* pathogenic mutation (also known as c.65839A>T), located in coding exon 166 of the TTN gene, results from an A to T substitution at nucleotide position 65839. This changes the amino acid from a lysine to a stop codon within coding exon 166. This exon is located in the A-band region of the N2-B isoform of the titin protein and is constitutively expressed in TTN transcripts (percent spliced in or PSI 100%). This variant was reported in individual(s) with features consistent with dilated cardiomyopathy (DCM) (Ambry internal data). This variant is considered to be rare based on population cohorts in the Genome Aggregation Database (gnomAD). This variant is expected to result in loss of function by premature protein truncation or nonsense-mediated mRNA decay. While truncating variants in TTN are present in 1-3% of the general population, truncating variants in the A-band are the most common cause of dilated cardiomyopathy (Herman DS et al. N. Engl. J. Med., 2012 Feb;366:619-28; Roberts AM et al. Sci Transl Med, 2015 Jan;7:270ra6). TTN truncating variants encoded in constitutive exons (PSI >90%) have been found to be significantly associated with DCM regardless of their position in titin (Schafer S et al. Nat. Genet., 2017 01;49:46-53; Akhtar MM et al. Circ Heart Fail, 2020 Oct;13:e006832; Massier M et al. Clin Genet, 2025 Jan). Based on the supporting evidence, this variant is interpreted as a disease-causing mutation.

Labcorp Genetics (formerly Invitae), Labcorp
Classification: Likely pathogenic for Dilated cardiomyopathy 1G; Autosomal recessive limb-girdle muscular dystrophy type 2J. Last evaluated: 2021-12-01. Review status: criteria provided, single submitter. Criteria: Invitae Variant Classification Sherloc (09022015). Collection method: clinical testing. Allele origin: germline.
Comment: In summary, the currently available evidence indicates that the variant is pathogenic, but additional data are needed to prove that conclusively. Therefore, this variant has been classified as Likely Pathogenic. This variant is located in the A band of TTN (PMID: 25589632). Truncating variants in this region are significantly overrepresented in patients affected with dilated cardiomyopathy (PMID: 25589632). Truncating variants in this region have also been reported in individuals affected with autosomal recessive centronuclear myopathy (PMID: 23975875). Algorithms developed to predict the effect of sequence changes on RNA splicing suggest that this variant may create or strengthen a splice site. This variant has not been reported in the literature in individuals affected with TTN-related conditions. This variant is not present in population databases (gnomAD no frequency). This sequence change creates a premature translational stop signal (p.Lys31012*) in the TTN gene. While this is not anticipated to result in nonsense mediated decay, it is expected to create a truncated TTN protein.

Literature cited by the submitters: PubMed 25589632 (cited by Labcorp Genetics (formerly Invitae), Labcorp); PubMed 23975875 (cited by Labcorp Genetics (formerly Invitae), Labcorp).